The following is an entry in ClinVar:

ClinVar aggregate classification (germline): Uncertain significance (1 of 4 stars; one submission).

Conditions:
Cardiovascular phenotype. Identifiers: MedGen CN230736.

gnomAD v4.1: 1 of 1,590,402 alleles (0.000063%); highest among the groups gnomAD compares: African/African-American, 0.0013%; no homozygotes.

Submission:

Ambry Genetics
Classification: Uncertain significance for Cardiovascular phenotype. Last evaluated: 2025-06-01. Review status: criteria provided, single submitter. Criteria: Ambry Variant Classification Scheme 2023. Collection method: clinical testing. Allele origin: germline.
Comment: The p.P93T variant (also known as c.277C>A), located in coding exon 1 of the TNXB gene, results from a C to A substitution at nucleotide position 277. The proline at codon 93 is replaced by threonine, an amino acid with highly similar properties. This amino acid position is conserved. In addition, the in silico prediction for this alteration is inconclusive. Based on the available evidence, the clinical significance of this variant remains unclear.

NM_001365276.2(TNXB):c.277C>A (p.Pro93Thr)

Gene: TNXB (tenascin XB; minus strand). Cytogenetic location: 6p21.33.
Variant type: single nucleotide variant.
Coding change: c.277C>A on transcript NM_001365276.2 (MANE Select); coding-DNA position 277, C replaced by A.
Protein change: p.Pro93Thr; replaces proline 93 with threonine.
Molecular consequence: missense variant.
Genome position (GRCh38, 1-based): chr6:32,097,922, G>T on the plus strand (C>A on the coding strand, the complement: TNXB is on the minus strand). VCF-style: chr6-32097922-G-T. GRCh37 (hg19) VCF-style: chr6-32065699-G-T.
Other names: c.277C>A, p.Pro93Thr (NM_001428335.1, NM_019105.8); short protein forms P93T.
Identifiers: ClinVar variation 3972045 (VCV003972045.1).